The following is an entry in ClinVar:

NM_201384.3(PLEC):c.7036C>G (p.Leu2346Val)

Gene: PLEC (plectin; minus strand). Cytogenetic location: 8q24.3.
Variant type: single nucleotide variant.
Coding change: c.7036C>G on transcript NM_201384.3 (MANE Select); coding-DNA position 7036, C replaced by G.
Protein change: p.Leu2346Val; replaces leucine 2346 with valine.
Molecular consequence: missense variant.
Genome position (GRCh38, 1-based): chr8:143,922,893, G>C on the plus strand (C>G on the coding strand, the complement: PLEC is on the minus strand). VCF-style: chr8-143922893-G-C. GRCh37 (hg19) VCF-style: chr8-144997061-G-C.
Other names: c.7117C>G, p.Leu2373Val (NM_000445.5); c.6994C>G, p.Leu2332Val (NM_201378.4); c.6970C>G, p.Leu2324Val (NM_201379.3); c.7447C>G, p.Leu2483Val (NM_201380.4); c.6940C>G, p.Leu2314Val (NM_201381.3); c.7036C>G, p.Leu2346Val (NM_201382.4); c.7048C>G, p.Leu2350Val (NM_201383.3); short protein forms L2314V, L2324V, L2332V, L2346V, L2350V, L2373V, L2483V.
Identifiers: ClinVar variation 1052015 (VCV001052015.5), dbSNP rs2131287907, ClinGen allele CA372530393.

ClinVar aggregate classification (germline): Uncertain significance (1 of 4 stars; one submission).

Conditions:
Epidermolysis bullosa simplex 5B, with muscular dystrophy (EBS5B). Also called: Epidermolysis bullosa simplex with muscular dystrophy; EPIDERMOLYSIS BULLOSA SIMPLEX AND LIMB-GIRDLE MUSCULAR DYSTROPHY. Identifiers: Orphanet 257, MedGen C2931072, MONDO:0009181, OMIM 226670.
Epidermolysis bullosa simplex 5C, with pyloric atresia (EBS5C). Also called: Epidermolysis bullosa simplex with pyloric atresia; PLEC-Related Epidermolysis Bullosa with Pyloric Atresia; PLEC1-Related Epidermolysis Bullosa with Pyloric Atresia. Identifiers: Orphanet 158684, MedGen C2677349, MONDO:0012807, OMIM 612138.
Epidermolysis bullosa simplex, Ogna type (EBS5A). Also called: Pidermolysis bullosa simplex 5A, Ogna type; EPIDERMOLYSIS BULLOSA SIMPLEX 5A, OGNA TYPE. Identifiers: Orphanet 79401, MedGen C0432317, MONDO:0007555, OMIM 131950.
Autosomal recessive limb-girdle muscular dystrophy type 2Q (LGMDR17). Also called: MUSCULAR DYSTROPHY, LIMB-GIRDLE, AUTOSOMAL RECESSIVE 17. Identifiers: Orphanet 254361, MedGen C3150989, MONDO:0013390, OMIM 613723.
Epidermolysis bullosa simplex with nail dystrophy (EBS5D). Identifiers: MedGen C4225309, MONDO:0014661, OMIM 616487.

Allele frequency attached by ClinVar (database versions not stated): gnomAD exomes below 0.00001.
gnomAD v4.1: 1 of 1,584,666 alleles (0.000063%); highest among the groups gnomAD compares: Admixed American, 0.0018%; no homozygotes.

Submission:

Labcorp Genetics (formerly Invitae), Labcorp
Classification: Uncertain significance for Autosomal recessive limb-girdle muscular dystrophy type 2Q; Epidermolysis bullosa simplex, Ogna type; Epidermolysis bullosa simplex with nail dystrophy; Epidermolysis bullosa simplex 5C, with pyloric atresia; Epidermolysis bullosa simplex 5B, with muscular dystrophy. Last evaluated: 2022-06-20. Review status: criteria provided, single submitter. Criteria: Invitae Variant Classification Sherloc (09022015). Collection method: clinical testing. Allele origin: germline.
Comment: ClinVar contains an entry for this variant (Variation ID: 1052015). This variant has not been reported in the literature in individuals affected with PLEC-related conditions. This variant is not present in population databases (gnomAD no frequency). This sequence change replaces leucine, which is neutral and non-polar, with valine, which is neutral and non-polar, at codon 2373 of the PLEC protein (p.Leu2373Val). Algorithms developed to predict the effect of missense changes on protein structure and function (SIFT, PolyPhen-2, Align-GVGD) all suggest that this variant is likely to be disruptive. In summary, the available evidence is currently insufficient to determine the role of this variant in disease. Therefore, it has been classified as a Variant of Uncertain Significance.